The following is an entry in ClinVar:

ClinVar aggregate classification (germline): Pathogenic (1 of 4 stars; one submission).

Conditions:
Melnick-Fraser syndrome (BOR). Also called: Branchio-oto-renal syndrome; Branchiootorenal Syndrome (BORS); Branchiootorenal syndrome. Identifiers: Orphanet 107, MedGen C0265234, MONDO:0007029.

Submission:

Labcorp Genetics (formerly Invitae), Labcorp
Classification: Pathogenic for Melnick-Fraser syndrome. Last evaluated: 2022-10-10. Review status: criteria provided, single submitter. Criteria: Invitae Variant Classification Sherloc (09022015). Collection method: clinical testing. Allele origin: germline.
Comment: For these reasons, this variant has been classified as Pathogenic. This variant has not been reported in the literature in individuals affected with EYA1-related conditions. This variant is not present in population databases (gnomAD no frequency). This sequence change creates a premature translational stop signal (p.Tyr515*) in the EYA1 gene. It is expected to result in an absent or disrupted protein product. Loss-of-function variants in EYA1 are known to be pathogenic (PMID: 10464653, 18220287).

Literature cited by the submitters: PubMed 10464653; PubMed 18220287.

NM_000503.6(EYA1):c.1545T>A (p.Tyr515Ter)

Gene: EYA1 (EYA transcriptional coactivator and phosphatase 1; minus strand). Cytogenetic location: 8q13.3.
Variant type: single nucleotide variant.
Coding change: c.1545T>A on transcript NM_000503.6 (MANE Select); coding-DNA position 1545, T replaced by A.
Protein change: p.Tyr515Ter; replaces tyrosine 515 with a stop codon.
Molecular consequence: nonsense.
Genome position (GRCh38, 1-based): chr8:71,215,439, A>T on the plus strand (T>A on the coding strand, the complement: EYA1 is on the minus strand). VCF-style: chr8-71215439-A-T. GRCh37 (hg19) VCF-style: chr8-72127674-A-T.
Other names: c.1527T>A, p.Tyr509Ter (NM_001288574.2, NM_172059.5); c.1179T>A, p.Tyr393Ter (NM_001288575.2); c.1632T>A, p.Tyr544Ter (NM_001370333.1); c.1545T>A, p.Tyr515Ter (NM_001370334.1, NM_001370335.1, NM_172058.4); c.1524T>A, p.Tyr508Ter (NM_001370336.1); c.1446T>A, p.Tyr482Ter (NM_001411797.1, NM_172060.4); short protein forms Y482*, Y509*, Y393*, Y508*, Y544*, Y515*.
Identifiers: ClinVar variation 2022136 (VCV002022136.4), dbSNP rs2537274776, ClinGen allele CA371466163.